The following is an entry in ClinVar:

NM_001148.6(ANK2):c.2541T>G (p.Asp847Glu)

Gene: ANK2 (ankyrin 2; plus strand). Cytogenetic location: 4q26.
Variant type: single nucleotide variant.
Coding change: c.2541T>G on transcript NM_001148.6 (MANE Select); coding-DNA position 2541, T replaced by G.
Protein change: p.Asp847Glu; replaces aspartic acid 847 with glutamic acid.
Molecular consequence: missense variant.
Genome position (GRCh38, 1-based): chr4:113,302,832, T>G. VCF-style: chr4-113302832-T-G. GRCh37 (hg19) VCF-style: chr4-114223988-T-G.
Other names: c.2478T>G, p.Asp826Glu (NM_001127493.3, NM_001354239.2, NM_001354243.2 and 10 more transcripts); c.2541T>G, p.Asp847Glu (NM_001354225.2, NM_001354228.2, NM_001354232.2 and 6 more transcripts); c.2586T>G, p.Asp862Glu (NM_001354230.2, NM_001354231.2, NM_001354237.2 and 5 more transcripts); c.2442T>G, p.Asp814Glu (NM_001354245.2, NM_001354268.2); c.2454T>G, p.Asp818Glu (NM_001354249.2, NM_001354264.2, NM_001354266.2 and 10 more transcripts); c.2379T>G, p.Asp793Glu (NM_001354253.2, NM_001354257.2, NM_001354270.2 and 1 more transcripts); c.2355T>G, p.Asp785Glu (NM_001354260.2, NM_001354271.2, NM_001386151.1); c.2499T>G, p.Asp833Glu (NM_001354261.2, NM_001386147.1, NM_001386160.1); and 9 more; short protein forms D56E, D785E, D793E, D818E, D826E, D835E, D814E, D862E.
Identifiers: ClinVar variation 1792839 (VCV001792839.2), dbSNP rs1195147290, ClinGen allele CA357923747.

ClinVar aggregate classification (germline): Uncertain significance (1 of 4 stars; one submission).

Conditions:
Cardiovascular phenotype. Identifiers: MedGen CN230736.

Allele frequency attached by ClinVar (database versions not stated): gnomAD 0.00001.
gnomAD v4.1: 1 of 1,612,828 alleles (0.000062%); highest among the groups gnomAD compares: African/African-American, 0.0013%; no homozygotes.

Submission:

Ambry Genetics
Classification: Uncertain significance for Cardiovascular phenotype. Last evaluated: 2022-07-25. Review status: criteria provided, single submitter. Criteria: Ambry Variant Classification Scheme 2023. Collection method: clinical testing. Allele origin: germline.
Comment: The p.D847E variant (also known as c.2541T>G), located in coding exon 23 of the ANK2 gene, results from a T to G substitution at nucleotide position 2541. The aspartic acid at codon 847 is replaced by glutamic acid, an amino acid with highly similar properties. This amino acid position is conserved. In addition, this alteration is predicted to be tolerated by in silico analysis. Since supporting evidence is limited at this time, the clinical significance of this alteration remains unclear.